The following is an entry in ClinVar:

ClinVar aggregate classification (germline): Likely pathogenic (1 of 4 stars; one submission).

Conditions:
Autosomal recessive limb-girdle muscular dystrophy type 2J (LGMDR10). Also called: Limb-girdle muscular dystrophy, type 2J; MUSCULAR DYSTROPHY, LIMB-GIRDLE, AUTOSOMAL RECESSIVE 10. Identifiers: Orphanet 140922, MedGen C1837342, MONDO:0012127, OMIM 608807.
Dilated cardiomyopathy 1G (CMD1G). Identifiers: Orphanet 154, MedGen C1858763, MONDO:0011400, OMIM 604145.

Submission:

Labcorp Genetics (formerly Invitae), Labcorp
Classification: Likely pathogenic for Dilated cardiomyopathy 1G; Autosomal recessive limb-girdle muscular dystrophy type 2J. Last evaluated: 2025-11-12. Review status: criteria provided, single submitter. Criteria: Invitae Variant Classification Sherloc (09022015). Collection method: clinical testing. Allele origin: germline.
Comment: This sequence change creates a premature translational stop signal (p.Tyr32559*) in the TTN gene. While this is not anticipated to result in nonsense mediated decay, it is expected to create a truncated TTN protein. This variant is not present in population databases (gnomAD no frequency). This variant has not been reported in the literature in individuals affected with TTN-related conditions. This variant is located in the A band of TTN (PMID: 25589632). Truncating variants in this region are significantly overrepresented in patients affected with dilated cardiomyopathy (PMID: 25589632). Truncating variants in this region have also been reported in individuals affected with autosomal recessive centronuclear myopathy (PMID: 23975875). In summary, the currently available evidence indicates that the variant is pathogenic, but additional data are needed to prove that conclusively. Therefore, this variant has been classified as Likely Pathogenic.

Literature cited by the submitters: PubMed 25589632; PubMed 23975875.

NM_001267550.2(TTN):c.97677C>A (p.Tyr32559Ter)

Genes: TTN (titin; minus strand), TTN-AS1 (TTN antisense RNA 1; plus strand). Cytogenetic location: 2q31.2.
Variant type: single nucleotide variant.
Coding change: c.97677C>A on transcript NM_001267550.2 (MANE Select); coding-DNA position 97677, C replaced by A.
Protein change: p.Tyr32559Ter; replaces tyrosine 32559 with a stop codon.
Molecular consequence: nonsense.
Genome position (GRCh38, 1-based): chr2:178,541,400, G>T on the plus strand (C>A on the coding strand, the complement: TTN is on the minus strand). VCF-style: chr2-178541400-G-T. GRCh37 (hg19) VCF-style: chr2-179406127-G-T.
Other names: c.92754C>A, p.Tyr30918Ter (NM_001256850.1); c.70482C>A, p.Tyr23494Ter (NM_003319.4); c.89973C>A, p.Tyr29991Ter (NM_133378.4); c.70857C>A, p.Tyr23619Ter (NM_133432.3); c.71058C>A, p.Tyr23686Ter (NM_133437.4); short protein forms Y23619*, Y30918*, Y23686*, Y23494*, Y29991*, Y32559*.
Identifiers: ClinVar variation 4792328 (VCV004792328.1).